The following is an entry in ClinVar:

ClinVar aggregate classification (germline): Uncertain significance. Review status: criteria provided, multiple submitters, no conflicts (2 of 4 stars). 2 submissions from 2 submitters: Uncertain significance (2). Last evaluated 2022-08-16.

Conditions:
Leigh syndrome (NULS). Also called: Leigh Disease; Subacute necrotizing encephalopathy; Necrotizing encephalopathy infantile subacute of Leigh; Leigh's necrotizing encephalopathy; Leigh's disease; Leigh's syndrome. Identifiers: Orphanet 506, MedGen C2931891, MONDO:0009723, OMIM 256000.

Allele frequency attached by ClinVar (database versions not stated): gnomAD 0.00006; TOPMed 0.00010; 1000 Genomes Project 0.00040; 1000 Genomes Project 30x 0.00062.

Submissions (2):

Labcorp Genetics (formerly Invitae), Labcorp
Classification: Uncertain significance for Leigh syndrome. Last evaluated: 2022-08-16. Review status: criteria provided, single submitter. Criteria: Invitae Variant Classification Sherloc (09022015). Collection method: clinical testing. Allele origin: germline.
Comment: This sequence change replaces arginine, which is basic and polar, with tryptophan, which is neutral and slightly polar, at codon 118 of the SURF1 protein (p.Arg118Trp). This variant is present in population databases (rs201492662, gnomAD 0.1%). This variant has not been reported in the literature in individuals affected with SURF1-related conditions. ClinVar contains an entry for this variant (Variation ID: 365529). Algorithms developed to predict the effect of missense changes on protein structure and function are either unavailable or do not agree on the potential impact of this missense change (SIFT: "Deleterious"; PolyPhen-2: "Probably Damaging"; Align-GVGD: "Class C0"). In summary, the available evidence is currently insufficient to determine the role of this variant in disease. Therefore, it has been classified as a Variant of Uncertain Significance.

Illumina Laboratory Services, Illumina
Classification: Uncertain significance for Leigh syndrome. Last evaluated: 2018-01-12. Review status: criteria provided, single submitter. Criteria: ICSL Variant Classification Criteria 13 December 2019. Collection method: clinical testing. Allele origin: germline.

NM_003172.4(SURF1):c.352A>T (p.Arg118Trp)

Gene: SURF1 (SURF1 cytochrome c oxidase assembly factor; minus strand). Cytogenetic location: 9q34.2.
Variant type: single nucleotide variant.
Coding change: c.352A>T on transcript NM_003172.4 (MANE Select); coding-DNA position 352, A replaced by T.
Protein change: p.Arg118Trp; replaces arginine 118 with tryptophan.
Molecular consequence: missense variant.
Genome position (GRCh38, 1-based): chr9:133,353,912, T>A on the plus strand (A>T on the coding strand, the complement: SURF1 is on the minus strand). VCF-style: chr9-133353912-T-A. GRCh37 (hg19) VCF-style: chr9-136220767-T-A.
Other names: c.25A>T, p.Arg9Trp (NM_001280787.1); short protein forms R118W, R9W.
Identifiers: ClinVar variation 365529 (VCV000365529.6), dbSNP rs201492662, ClinGen allele CA10629368.